The following is an entry in ClinVar:

ClinVar aggregate classification (germline): Pathogenic/Likely pathogenic. Review status: criteria provided, multiple submitters, no conflicts (2 of 4 stars). 6 submissions from 6 submitters: Pathogenic (5); Likely pathogenic (1). Last evaluated 2025-05-26.

Conditions:
ENG-related disorder. Also called: ENG-related condition; ENG-related disorders.
Cardiovascular phenotype. Identifiers: MedGen CN230736.
Hereditary hemorrhagic telangiectasia (HHT). Also called: Osler hemorrhagic telangiectasia syndrome; ORW DISEASE; Osler Weber Rendu syndrome; OSLER-RENDU-WEBER DISEASE. Identifiers: Orphanet 774, MedGen C0039445, MONDO:0019180. Disease mechanism: loss of function.
Telangiectasia, hereditary hemorrhagic, type 1 (HHT1). Also called: Osler Weber Rendu syndrome type 1; ENG-Related Hereditary Hemorrhagic Telangiectasia. Identifiers: Orphanet 774, MedGen C4551861, MONDO:0008535, OMIM 187300. Disease mechanism: loss of function.

Submissions (6):

Labcorp Genetics (formerly Invitae), Labcorp
Classification: Pathogenic for Hereditary hemorrhagic telangiectasia. Last evaluated: 2025-05-26. Review status: criteria provided, single submitter. Criteria: Invitae Variant Classification Sherloc (09022015). Collection method: clinical testing. Allele origin: germline.
Comment: This sequence change creates a premature translational stop signal (p.Gln166Profs*168) in the ENG gene. It is expected to result in an absent or disrupted protein product. Loss-of-function variants in ENG are known to be pathogenic (PMID: 15879500). This variant is not present in population databases (gnomAD no frequency). This premature translational stop signal has been observed in individuals with hereditary hemorrhagic telangiectasia (PMID: 15517393, 15880681, 21158752). This variant is also known as c.497_498insC. ClinVar contains an entry for this variant (Variation ID: 983204). For these reasons, this variant has been classified as Pathogenic.

CeGaT Center for Human Genetics Tuebingen
Classification: Pathogenic. Last evaluated: 2025-01-01. Review status: criteria provided, single submitter. Criteria: CeGaT Center For Human Genetics Tuebingen Variant Classification Criteria Version 2. Collection method: clinical testing. Allele origin: germline. Affected: yes. Observed: 1 variant allele.
Comment: ENG: PVS1, PM2, PS4:Moderate, PP4

Mayo Clinic Laboratories, Mayo Clinic
Classification: Pathogenic. Last evaluated: 2023-03-29. Review status: criteria provided, single submitter. Criteria: ACMG Guidelines, 2015. Collection method: clinical testing. Allele origin: germline. Observed: 1 variant allele.
Comment: PP4, PM2_supporting, PS4_moderate, PVS1

Ambry Genetics
Classification: Pathogenic for Cardiovascular phenotype. Last evaluated: 2021-09-05. Review status: criteria provided, single submitter. Criteria: Ambry Variant Classification Scheme 2023. Collection method: clinical testing. Allele origin: germline.
Comment: The c.496dupC pathogenic mutation, located in coding exon 4 of the ENG gene, results from a duplication of C at nucleotide position 496, causing a translational frameshift with a predicted alternate stop codon (p.Q166Pfs*168). This mutation, and a similar c.497_498insC variant, have been reported in individuals with hereditary hemorrhagic telangiectasia (HHT) (Ambry internal data; Schulte C et al. Hum Mutat, 2005 Jun;25:595; Letteboer TG et al. Hum Genet, 2005 Jan;116:8-16; McDonald J et al. Clin Genet, 2011 Apr;79:335-44). In addition to the clinical data presented in the literature, this alteration is expected to result in loss of function by premature protein truncation or nonsense-mediated mRNA decay. As such, this alteration is interpreted as a disease-causing mutation.

Blueprint Genetics
Classification: Likely pathogenic for ENG-related disorders. Last evaluated: 2019-07-03. Review status: criteria provided, single submitter. Criteria: ACMG Guidelines, 2015. Collection method: clinical testing. Allele origin: germline. Affected: yes. Observed: 1 variant allele.

NIHR Bioresource Rare Diseases, University of Cambridge
Classification: Pathogenic for Telangiectasia, hereditary hemorrhagic, type 1. Last evaluated: 2018-01-01. Review status: criteria provided, single submitter. Criteria: ACMG Guidelines, 2015. Collection method: research. Allele origin: unknown. Affected: yes. Observed: 1 variant allele.
Comment: PVS1+PM2+PP4

Literature cited by the submitters: PubMed 15879500 (cited by Labcorp Genetics (formerly Invitae), Labcorp and Mayo Clinic Laboratories, Mayo Clinic); PubMed 15517393 (cited by 3 submitters); PubMed 15880681 (cited by 3 submitters); PubMed 21158752 (cited by Labcorp Genetics (formerly Invitae), Labcorp and Ambry Genetics); PubMed 32573726 (cited by Mayo Clinic Laboratories, Mayo Clinic and NIHR Bioresource Rare Diseases, University of Cambridge).

NM_001114753.3(ENG):c.496dup (p.Gln166fs)

Gene: ENG (endoglin; minus strand). Cytogenetic location: 9q34.11.
Variant type: Duplication.
Coding change: c.496dup on transcript NM_001114753.3 (MANE Select); coding-DNA position 496, one base duplicated (C; older notation c.496dupC).
Protein change: p.Gln166fs; shifts the reading frame from glutamine 166.
Molecular consequence: frameshift variant. On other transcripts: 5 prime UTR variant (1).
Genome position (GRCh38, 1-based): chr9:127,826,537, G duplicated on the plus strand (C on the coding strand, the reverse complement: ENG is on the minus strand); the first of 5 consecutive G bases (chr9:127,826,537-127,826,541); duplicating any one gives the same sequence. VCF-style (leftmost placement, unchanged base first): chr9-127826536-T-TG. GRCh37 (hg19) VCF-style: chr9-130588815-T-TG.
Other names: p.Gln166Profs*168; c.496_497insC (NM_000118.3); c.492dup, p.Gln166Profs (NM_000118.4, NM_001406715.1); c.-51dup (NM_001278138.2); c.496dup (NM_001114753.2); short protein forms Q166fs.
Identifiers: ClinVar variation 983204 (VCV000983204.29), dbSNP rs1830620247, ClinGen allele CA1139661220.